The following is an entry in ClinVar:

ClinVar aggregate classification (germline): Uncertain significance. Review status: criteria provided, multiple submitters, no conflicts (2 of 4 stars). 5 submissions from 5 submitters: Uncertain significance (5). Last evaluated 2024-09-01.

Conditions:
X-linked intellectual disability with marfanoid habitus. Also called: INTELLECTUAL DEVELOPMENTAL DISORDER, X-LINKED, SYNDROMIC, LUJAN-FRYNS TYPE; X-linked mental retardation with marfanoid habitus syndrome; Lujan Syndrome; Lujan Syndrome (LS). Identifiers: Orphanet 776, MedGen C0796022, MONDO:0010655, OMIM 309520.
FG syndrome (FGS). Identifiers: MedGen C0220769, MONDO:0002010.

Allele frequency attached by ClinVar (database versions not stated): gnomAD exomes below 0.00001.
gnomAD v4.1: 1 of 1,211,681 alleles (0.000083%); highest among the groups gnomAD compares: Non-Finnish European, 0.00011%; no homozygotes.

Submissions (5):

CeGaT Center for Human Genetics Tuebingen
Classification: Uncertain significance. Last evaluated: 2024-09-01. Review status: criteria provided, single submitter. Criteria: CeGaT Center For Human Genetics Tuebingen Variant Classification Criteria Version 2. Collection method: clinical testing. Allele origin: germline. Affected: yes. Observed: 1 variant allele.
Comment: MED12: PM2, PP2

Blueprint Genetics
Classification: Uncertain significance. Last evaluated: 2024-03-19. Review status: criteria provided, single submitter. Criteria: ACMG Guidelines, 2015. Collection method: clinical testing. Allele origin: germline.

3billion
Classification: Uncertain significance for X-linked intellectual disability with marfanoid habitus. Last evaluated: 2023-12-10. Review status: criteria provided, single submitter. Criteria: ACMG Guidelines, 2015. Collection method: clinical testing. Allele origin: germline. Affected: yes.
Comment: The variant is not observed in the gnomAD v2.1.1 dataset. Predicted Consequence/Location: Missense variant In silico tool predictions suggest no damaging effect of the variant on gene or gene product [REVEL: 0.28 (<0.4); 3Cnet: 0.03 (<0.15, specificity 0.78 and negative predicitive value 0.92)]. Therefore, this variant is classified as VUS according to the recommendation of ACMG/AMP guideline.

GeneDx
Classification: Uncertain significance. Last evaluated: 2023-05-09. Review status: criteria provided, single submitter. Criteria: GeneDx Variant Classification Process June 2021. Collection method: clinical testing. Allele origin: germline. Affected: yes.
Comment: Not observed at significant frequency in large population cohorts (gnomAD); In silico analysis supports that this missense variant has a deleterious effect on protein structure/function; Has not been previously published as pathogenic or benign to our knowledge

Labcorp Genetics (formerly Invitae), Labcorp
Classification: Uncertain significance for FG syndrome. Last evaluated: 2023-01-01. Review status: criteria provided, single submitter. Criteria: Invitae Variant Classification Sherloc (09022015). Collection method: clinical testing. Allele origin: germline.
Comment: This sequence change replaces aspartic acid, which is acidic and polar, with asparagine, which is neutral and polar, at codon 1669 of the MED12 protein (p.Asp1669Asn). This variant is not present in population databases (gnomAD no frequency). This variant has not been reported in the literature in individuals affected with MED12-related conditions. ClinVar contains an entry for this variant (Variation ID: 1305779). Advanced modeling of protein sequence and biophysical properties (such as structural, functional, and spatial information, amino acid conservation, physicochemical variation, residue mobility, and thermodynamic stability) has been performed at Invitae for this missense variant, however the output from this modeling did not meet the statistical confidence thresholds required to predict the impact of this variant on MED12 protein function. In summary, the available evidence is currently insufficient to determine the role of this variant in disease. Therefore, it has been classified as a Variant of Uncertain Significance.

NM_005120.3(MED12):c.5005G>A (p.Asp1669Asn)

Gene: MED12 (mediator complex subunit 12; plus strand). Cytogenetic location: Xq13.1.
Variant type: single nucleotide variant.
Coding change: c.5005G>A on transcript NM_005120.3 (MANE Select); coding-DNA position 5005, G replaced by A.
Protein change: p.Asp1669Asn; replaces aspartic acid 1669 with asparagine.
Molecular consequence: missense variant.
Genome position (GRCh38, 1-based): chrX:71,135,233, G>A. VCF-style: chrX-71135233-G-A. GRCh37 (hg19) VCF-style: chrX-70355083-G-A.
Other names: short protein forms D1669N.
Identifiers: ClinVar variation 1305779 (VCV001305779.22), dbSNP rs779481901, ClinGen allele CA10444730.
Genomic context (GRCh38, chrX:71,135,233, plus strand): 5'-ATCACGTGTGAGCCACAGGGCTCCCTTATCGATACCAAGGGCAACAAGATTGCTGGCTTC[G>A]ATTCCATCTTCAAGAAGGAGGCATGTTCCATTGTCTGCCCGTGTCCCTTGCCTTTTTTCC-3'
Protein context (NP_005111.2, residues 1659-1679): DTKGNKIAGF[Asp1669Asn]SIFKKEGLQV